The following is an entry in ClinVar:

ClinVar aggregate classification (germline): Uncertain significance (1 of 4 stars; one submission).

Allele frequency attached by ClinVar (database versions not stated): gnomAD exomes below 0.00001; TOPMed below 0.00001; gnomAD 0.00001.
gnomAD v4.1: 3 of 1,607,104 alleles (0.00019%); highest among the groups gnomAD compares: African/African-American, 0.004%; no homozygotes.

Submission:

Ambry Genetics
Classification: Uncertain significance. Last evaluated: 2024-07-20. Review status: criteria provided, single submitter. Criteria: Ambry Variant Classification Scheme 2023. Collection method: clinical testing. Allele origin: germline.
Comment: The p.F530I variant (also known as c.1588T>A), located in coding exon 14 of the BUB1 gene, results from a T to A substitution at nucleotide position 1588. The phenylalanine at codon 530 is replaced by isoleucine, an amino acid with highly similar properties. This amino acid position is conserved. In addition, the in silico prediction for this alteration is inconclusive. Since supporting evidence is limited at this time, the clinical significance of this alteration remains unclear.

NM_004336.5(BUB1):c.1588T>A (p.Phe530Ile)

Gene: BUB1 (BUB1 mitotic checkpoint serine/threonine kinase; minus strand). Cytogenetic location: 2q13.
Variant type: single nucleotide variant.
Coding change: c.1588T>A on transcript NM_004336.5 (MANE Select); coding-DNA position 1588, T replaced by A.
Protein change: p.Phe530Ile; replaces phenylalanine 530 with isoleucine.
Molecular consequence: missense variant.
Genome position (GRCh38, 1-based): chr2:110,657,574, A>T on the plus strand (T>A on the coding strand, the complement: BUB1 is on the minus strand). VCF-style: chr2-110657574-A-T. GRCh37 (hg19) VCF-style: chr2-111415151-A-T.
Other names: c.1528T>A, p.Phe510Ile (NM_001278616.2); c.1588T>A, p.Phe530Ile (NM_001278617.2); short protein forms F530I, F510I.
Identifiers: ClinVar variation 1775855 (VCV001775855.3), dbSNP rs1288396578, ClinGen allele CA348211854.